The following is an entry in ClinVar:

NM_001165963.4(SCN1A):c.4238T>A (p.Val1413Glu)

Genes: SCN1A (sodium voltage-gated channel alpha subunit 1; minus strand), LOC102724058 (uncharacterized LOC102724058; plus strand). Cytogenetic location: 2q24.3.
Variant type: single nucleotide variant.
Coding change: c.4238T>A on transcript NM_001165963.4 (MANE Select); coding-DNA position 4238, T replaced by A.
Protein change: p.Val1413Glu; replaces valine 1413 with glutamic acid.
Molecular consequence: missense variant. On other transcripts: non-coding transcript variant (1).
Genome position (GRCh38, 1-based): chr2:166,002,518, A>T on the plus strand (T>A on the coding strand, the complement: SCN1A is on the minus strand). VCF-style: chr2-166002518-A-T. GRCh37 (hg19) VCF-style: chr2-166859028-A-T.
Other names: c.4154T>A, p.Val1385Glu (NM_001165964.3, NM_001353957.2, NM_001353958.2); c.4238T>A, p.Val1413Glu (NM_001202435.3, NM_001353948.2); c.4205T>A, p.Val1402Glu (NM_001353949.2, NM_001353950.2, NM_001353951.2 and 2 more transcripts); c.4202T>A, p.Val1401Glu (NM_001353954.2, NM_001353955.2); c.4151T>A, p.Val1384Glu (NM_001353960.2); c.1796T>A, p.Val599Glu (NM_001353961.2); short protein forms V1413E, V1402E, V1384E, V1385E, V599E, V1401E.
Identifiers: ClinVar variation 581119 (VCV000581119.9), dbSNP rs1559127385, ClinGen allele CA349049959.

ClinVar aggregate classification (germline): Uncertain significance (1 of 4 stars; one submission).

Conditions:
Early-infantile DEE. Also called: Early infantile epileptic encephalopathy with suppression bursts; Early infantile epileptic encephalopathy; Ohtahara syndrome. Identifiers: Orphanet 1934, MedGen C0393706, MONDO:0800491.

Submission:

Labcorp Genetics (formerly Invitae), Labcorp
Classification: Uncertain significance for Early-infantile DEE. Last evaluated: 2023-11-06. Review status: criteria provided, single submitter. Criteria: Invitae Variant Classification Sherloc (09022015). Collection method: clinical testing. Allele origin: germline.
Comment: This sequence change replaces valine, which is neutral and non-polar, with glutamic acid, which is acidic and polar, at codon 1413 of the SCN1A protein (p.Val1413Glu). This variant is not present in population databases (gnomAD no frequency). This missense change has been observed in individual(s) with clinical features of SCN1A-related conditions (Invitae). ClinVar contains an entry for this variant (Variation ID: 581119). Advanced modeling of protein sequence and biophysical properties (such as structural, functional, and spatial information, amino acid conservation, physicochemical variation, residue mobility, and thermodynamic stability) performed at Invitae indicates that this missense variant is expected to disrupt SCN1A protein function with a positive predictive value of 95%. In summary, the available evidence is currently insufficient to determine the role of this variant in disease. Therefore, it has been classified as a Variant of Uncertain Significance.